The following is an entry in ClinVar:

ClinVar aggregate classification (germline): Uncertain significance (1 of 4 stars; one submission).

Conditions:
Early-infantile DEE. Also called: Early infantile epileptic encephalopathy; Early infantile epileptic encephalopathy with suppression bursts; Ohtahara syndrome. Identifiers: Orphanet 1934, MedGen C0393706, MONDO:0800491.

gnomAD v4.1: 8 of 1,614,196 alleles (0.0005%); highest among the groups gnomAD compares: Admixed American, 0.0033%; no homozygotes.

Submission:

Labcorp Genetics (formerly Invitae), Labcorp
Classification: Uncertain significance for Early-infantile DEE. Last evaluated: 2025-09-24. Review status: criteria provided, single submitter. Criteria: Invitae Variant Classification Sherloc (09022015). Collection method: clinical testing. Allele origin: germline.
Comment: This sequence change replaces glutamine, which is neutral and polar, with arginine, which is basic and polar, at codon 891 of the KCNH5 protein (p.Gln891Arg). This variant is present in population databases (rs746884857, gnomAD 0.003%). This variant has not been reported in the literature in individuals affected with KCNH5-related conditions. Invitae Evidence Modeling of protein sequence and biophysical properties (such as structural, functional, and spatial information, amino acid conservation, physicochemical variation, residue mobility, and thermodynamic stability) indicates that this missense variant is not expected to disrupt KCNH5 protein function with a negative predictive value of 95%. In summary, the available evidence is currently insufficient to determine the role of this variant in disease. Therefore, it has been classified as a Variant of Uncertain Significance.

NM_139318.5(KCNH5):c.2672A>G (p.Gln891Arg)

Gene: KCNH5 (potassium voltage-gated channel subfamily H member 5; minus strand). Cytogenetic location: 14q23.2.
Variant type: single nucleotide variant.
Coding change: c.2672A>G on transcript NM_139318.5 (MANE Select); coding-DNA position 2672, A replaced by G.
Protein change: p.Gln891Arg; replaces glutamine 891 with arginine.
Molecular consequence: missense variant. On other transcripts: 3 prime UTR variant (1).
Genome position (GRCh38, 1-based): chr14:62,707,803, T>C on the plus strand (A>G on the coding strand, the complement: KCNH5 is on the minus strand). VCF-style: chr14-62707803-T-C. GRCh37 (hg19) VCF-style: chr14-63174521-T-C.
Other names: c.*639A>G (NM_172375.3); short protein forms Q891R.
Identifiers: ClinVar variation 4738513 (VCV004738513.1).